The following is an entry in ClinVar:

ClinVar aggregate classification (germline): Pathogenic (1 of 4 stars; one submission).

Conditions:
Hypophosphatasia. Also called: Phosphoethanol-aminuria. Identifiers: Orphanet 436, MedGen C0020630, MeSH D007014, MONDO:0018570.

Submission:

Women's Health and Genetics/Laboratory Corporation of America, LabCorp
Classification: Pathogenic for Hypophosphatasia. Last evaluated: 2023-12-11. Review status: criteria provided, single submitter. Criteria: LabCorp Variant Classification Summary - May 2015. Collection method: clinical testing. Allele origin: germline.
Comment: Variant summary: The variant involves the deletion of exon 2 in the ALPL gene. A presumed nomenclature of c.(-105+1_-104-1)_(61+1_62-1)del has been designated for the purposes of this classification. This deletion is predicted to remove the initiation codon and result in an absence of protein or a truncation of the encoded protein due to translation initiation at a downstream site. The variant allele was found at a frequency of 8e-06 in 125,186 control chromosomes in the gnomAD database (Structural Variants v4.0 dataset). The variant, c.(-105+1_-104-1)_(61+1_62-1)del, has been reported in the literature in individuals affected with Hypophosphatasia (e.g. Huggins 2020, Hepp 2021). To our knowledge, no experimental evidence demonstrating an impact on protein function has been reported. One submitter has cited clinical-significance assessments for this variant to ClinVar after 2014 and has classified the variant as pathogenic. Based on the evidence outlined above, the variant was classified as pathogenic.

Literature cited by the submitters: PubMed 34258332; PubMed 33101980.

NC_000001.10:g.(21836011_21880470)_(21880636_21887118)del

Gene: ALPL (alkaline phosphatase, biomineralization associated; plus strand). Cytogenetic location: 1p36.12.
Variant type: Deletion.
Identifiers: ClinVar variation 2691581 (VCV002691581.1).